The following is an entry in ClinVar:

ClinVar aggregate classification (germline): Uncertain significance (1 of 4 stars; one submission).

Submission:

Ambry Genetics
Classification: Uncertain significance. Last evaluated: 2025-01-13. Review status: criteria provided, single submitter. Criteria: Ambry Variant Classification Scheme 2023. Collection method: clinical testing. Allele origin: germline.
Comment: The p.P410R variant (also known as c.1229C>G), located in coding exon 1 of the TET2 gene, results from a C to G substitution at nucleotide position 1229. The proline at codon 410 is replaced by arginine, an amino acid with dissimilar properties. This amino acid position is conserved. In addition, this alteration is predicted to be tolerated by in silico analysis. Based on the available evidence, the clinical significance of this variant remains unclear.

NM_001127208.3(TET2):c.1229C>G (p.Pro410Arg)

Genes: TET2 (tet methylcytosine dioxygenase 2; plus strand), TET2-AS1 (TET2 antisense RNA 1; minus strand). Cytogenetic location: 4q24.
Variant type: single nucleotide variant.
Coding change: c.1229C>G on transcript NM_001127208.3 (MANE Select); coding-DNA position 1229, C replaced by G.
Protein change: p.Pro410Arg; replaces proline 410 with arginine.
Molecular consequence: missense variant.
Genome position (GRCh38, 1-based): chr4:105,235,171, C>G. VCF-style: chr4-105235171-C-G. GRCh37 (hg19) VCF-style: chr4-106156328-C-G.
Other names: c.1229C>G, p.Pro410Arg (NM_017628.4); short protein forms P410R.
Identifiers: ClinVar variation 3805954 (VCV003805954.1).
Genomic context (GRCh38, chr4:105,235,171, plus strand): 5'-ATTCCTTTTCTGCCACTACCACACCACCACCACCATCACAATTGCTTCTTTCTCCCCCTC[C>G]TCCTCTTCCACAGGTTCCTCAGCTTCCTTCAGAAGGAAAAAGCACTCTGAATGGTGGAGT-3'
Protein context (NP_001120680.1, residues 400-420): PPSQLLLSPP[Pro410Arg]PLPQVPQLPS